The following is an entry in ClinVar:

NM_000136.3(FANCC):c.169T>G (p.Ser57Ala)

Gene: FANCC (FA complementation group C; minus strand). Cytogenetic location: 9q22.32.
Variant type: single nucleotide variant.
Coding change: c.169T>G on transcript NM_000136.3 (MANE Select); coding-DNA position 169, T replaced by G.
Protein change: p.Ser57Ala; replaces serine 57 with alanine.
Molecular consequence: missense variant.
Genome position (GRCh38, 1-based): chr9:95,247,513, A>C on the plus strand (T>G on the coding strand, the complement: FANCC is on the minus strand). VCF-style: chr9-95247513-A-C. GRCh37 (hg19) VCF-style: chr9-98009795-A-C.
Other names: c.169T>G, p.Ser57Ala (NM_001243743.2, NM_001243744.2); short protein forms S57A.
Identifiers: ClinVar variation 1917544 (VCV001917544.6), dbSNP rs1356447246, ClinGen allele CA374340162.
Genomic context (GRCh38, chr9:95,247,513, plus strand): 5'-TCCAACAAGCTTTTGCCAACAGTTGACCAATTGTGGGGAATCTTTCAATGACTGTATTAG[A>C]ATCCTGTGAAAGAAAAATAAATTTTGGTCAGTAAAGGCATTATGCAACTTAGAAATACTG-3'
Protein context (NP_000127.2, residues 47-67): KMYEALKEMD[Ser57Ala]NTVIERFPTI

ClinVar aggregate classification (germline): Uncertain significance. Review status: criteria provided, multiple submitters, no conflicts (2 of 4 stars). 2 submissions from 2 submitters: Uncertain significance (2). Last evaluated 2024-06-23.

Conditions:
Hereditary cancer-predisposing syndrome. Also called: Neoplastic Syndromes, Hereditary; Hereditary Cancer Syndrome; Tumor predisposition; Hereditary neoplastic syndrome. Identifiers: Orphanet 140162, MedGen C0027672, MeSH D009386, MONDO:0015356.
Fanconi anemia (FA). Also called: Fanconi's anemia. Identifiers: Orphanet 84, MedGen C0015625, MeSH D005199, MONDO:0019391.

Submissions (2):

Ambry Genetics
Classification: Uncertain significance for Hereditary cancer-predisposing syndrome. Last evaluated: 2024-06-23. Review status: criteria provided, single submitter. Criteria: Ambry Variant Classification Scheme 2023. Collection method: clinical testing. Allele origin: germline.
Comment: The p.S57A variant (also known as c.169T>G), located in coding exon 2 of the FANCC gene, results from a T to G substitution at nucleotide position 169. The serine at codon 57 is replaced by alanine, an amino acid with similar properties. This amino acid position is conserved. In addition, this alteration is predicted to be tolerated by in silico analysis. Based on the available evidence, the clinical significance of this variant remains unclear.

Labcorp Genetics (formerly Invitae), Labcorp
Classification: Uncertain significance for Fanconi anemia. Last evaluated: 2022-01-15. Review status: criteria provided, single submitter. Criteria: Invitae Variant Classification Sherloc (09022015). Collection method: clinical testing. Allele origin: germline.
Comment: In summary, the available evidence is currently insufficient to determine the role of this variant in disease. Therefore, it has been classified as a Variant of Uncertain Significance. Algorithms developed to predict the effect of missense changes on protein structure and function are either unavailable or do not agree on the potential impact of this missense change (SIFT: "Tolerated"; PolyPhen-2: "Possibly Damaging"; Align-GVGD: "Class C0"). This variant has not been reported in the literature in individuals affected with FANCC-related conditions. This variant is not present in population databases (gnomAD no frequency). This sequence change replaces serine, which is neutral and polar, with alanine, which is neutral and non-polar, at codon 57 of the FANCC protein (p.Ser57Ala).